The following is an entry in ClinVar:

NC_000009.12:g.(?_77250087)_(77252362_?)del

Gene: VPS13A (vacuolar protein sorting 13 homolog A; plus strand). Cytogenetic location: 9q21.2.
Variant type: Deletion.
Identifiers: ClinVar variation 831921 (VCV000831921.5).

ClinVar aggregate classification (germline): Pathogenic (1 of 4 stars; one submission).

Submission:

Labcorp Genetics (formerly Invitae), Labcorp
Classification: Pathogenic. Last evaluated: 2019-10-02. Review status: criteria provided, single submitter. Criteria: Invitae Variant Classification Sherloc (09022015). Collection method: clinical testing. Allele origin: germline.
Comment: This variant is an out-of-frame deletion of the genomic region encompassing exons 21-22 of the VPS13A gene. This is expected to create a premature translational stop signal and result in an absent or disrupted protein product. For these reasons, this variant has been classified as Pathogenic. Loss-of-function variants in VPS13A are known to be pathogenic (PMID: 12404112, 21598378). This variant has not been reported in the literature in individuals with VPS13A-related conditions.

Literature cited by the submitters: PubMed 12404112; PubMed 21598378.